The following is an entry in ClinVar:

NM_001363711.2(DUOX2):c.242C>T (p.Pro81Leu)

Gene: DUOX2 (dual oxidase 2; minus strand). Cytogenetic location: 15q21.1.
Variant type: single nucleotide variant.
Coding change: c.242C>T on transcript NM_001363711.2 (MANE Select); coding-DNA position 242, C replaced by T.
Protein change: p.Pro81Leu; replaces proline 81 with leucine.
Molecular consequence: missense variant.
Genome position (GRCh38, 1-based): chr15:45,112,637, G>A on the plus strand (C>T on the coding strand, the complement: DUOX2 is on the minus strand). VCF-style: chr15-45112637-G-A. GRCh37 (hg19) VCF-style: chr15-45404835-G-A.
Other names: c.242C>T, p.Pro81Leu (NM_014080.5); short protein forms P81L.
Identifiers: ClinVar variation 4760578 (VCV004760578.1).

ClinVar aggregate classification (germline): Uncertain significance (1 of 4 stars; one submission).

gnomAD v4.1: 3 of 1,612,902 alleles (0.00019%); highest among the groups gnomAD compares: African/African-American, 0.004%; no homozygotes.

Submission:

Labcorp Genetics (formerly Invitae), Labcorp
Classification: Uncertain significance. Last evaluated: 2025-10-09. Review status: criteria provided, single submitter. Criteria: Invitae Variant Classification Sherloc (09022015). Collection method: clinical testing. Allele origin: germline.
Comment: This sequence change replaces proline, which is neutral and non-polar, with leucine, which is neutral and non-polar, at codon 81 of the DUOX2 protein (p.Pro81Leu). This variant is not present in population databases (gnomAD no frequency). This variant has not been reported in the literature in individuals affected with DUOX2-related conditions. Invitae Evidence Modeling of protein sequence and biophysical properties (such as structural, functional, and spatial information, amino acid conservation, physicochemical variation, residue mobility, and thermodynamic stability) has been performed for this missense variant. However, the output from this modeling did not meet the statistical confidence thresholds required to predict the impact of this variant on DUOX2 protein function. In summary, the available evidence is currently insufficient to determine the role of this variant in disease. Therefore, it has been classified as a Variant of Uncertain Significance.